The following is an entry in ClinVar:

ClinVar aggregate classification (germline): Conflicting classifications of pathogenicity. Review status: criteria provided, conflicting classifications (1 of 4 stars). 6 submissions from 6 submitters: Uncertain significance (4); Likely benign (2). Last evaluated 2026-01-06.

Conditions:
Isolated focal cortical dysplasia type II (FCORD2). Also called: CORTICAL DYSPLASIA OF TAYLOR; Focal cortical dysplasia type II. Identifiers: Orphanet 268994, MedGen C1846385, MONDO:0011818, OMIM 607341, HP:0032051.
Lymphangiomyomatosis (LAM). Also called: Lymphangioleiomyomatosis, somatic; Lymphangioleiomyomatosis. Identifiers: Orphanet 538, MedGen C0751674, MONDO:0011705, OMIM 606690.
Tuberous sclerosis 2 (TSC2). Identifiers: Orphanet 805, MedGen C1860707, MONDO:0013199, OMIM 613254.
Hereditary cancer-predisposing syndrome. Also called: Tumor predisposition; Neoplastic Syndromes, Hereditary; Hereditary Cancer Syndrome; Hereditary neoplastic syndrome. Identifiers: Orphanet 140162, MedGen C0027672, MeSH D009386, MONDO:0015356.
Tuberous sclerosis syndrome (TSC). Also called: Tuberous Sclerosis Complex; Tuberous sclerosis. Identifiers: Orphanet 805, MedGen C0041341, MONDO:0001734.

Allele frequency attached by ClinVar (database versions not stated): gnomAD 0.00001; gnomAD exomes 0.00002; TOPMed 0.00002; ExAC 0.00003.
gnomAD v4.1: 33 of 1,612,606 alleles (0.002%); highest among the groups gnomAD compares: East Asian, 0.0045%; no homozygotes.

Submissions (6):

Labcorp Genetics (formerly Invitae), Labcorp
Classification: Likely benign for Tuberous sclerosis 2. Last evaluated: 2026-01-06. Review status: criteria provided, single submitter. Criteria: Invitae Variant Classification Sherloc (09022015). Collection method: clinical testing. Allele origin: germline.

Ambry Genetics
Classification: Uncertain significance for Hereditary cancer-predisposing syndrome. Last evaluated: 2025-08-04. Review status: criteria provided, single submitter. Criteria: Ambry Variant Classification Scheme 2023. Collection method: clinical testing. Allele origin: germline.
Comment: The p.R1745C variant (also known as c.5233C>T), located in coding exon 40 of the TSC2 gene, results from a C to T substitution at nucleotide position 5233. The arginine at codon 1745 is replaced by cysteine, an amino acid with highly dissimilar properties. This amino acid position is highly conserved in available vertebrate species. In addition, this alteration is predicted to be deleterious by in silico analysis. Based on the available evidence, the clinical significance of this variant remains unclear.

Color Diagnostics, LLC DBA Color Health
Classification: Uncertain significance for Tuberous sclerosis syndrome. Last evaluated: 2024-06-13. Review status: criteria provided, single submitter. Criteria: ACMG Guidelines, 2015. Collection method: clinical testing. Allele origin: germline.
Comment: This missense variant replaces arginine with cysteine at codon 1745 of the TSC2 protein. Computational prediction suggests that this variant may have deleterious impact on protein structure and function. To our knowledge, functional studies have not been reported for this variant. This variant has not been reported in individuals affected with TSC2-related disorders in the literature. This variant has been identified in 7/281432 chromosomes in the general population by the Genome Aggregation Database (gnomAD). The available evidence is insufficient to determine the role of this variant in disease conclusively. Therefore, this variant is classified as a Variant of Uncertain Significance.

Genome-Nilou Lab
Classification: Likely benign for Tuberous sclerosis 2. Last evaluated: 2021-11-07. Review status: criteria provided, single submitter. Criteria: ACMG Guidelines, 2015. Collection method: clinical testing. Allele origin: germline. Affected: no.

Eurofins Ntd Llc (ga)
Classification: Uncertain significance. Last evaluated: 2017-05-12. Review status: criteria provided, single submitter. Criteria: EGL Classification Definitions 2015. Collection method: clinical testing. Allele origin: germline. Observed: 1 variant allele, 1 heterozygote.

Center for Genomics, Ann and Robert H. Lurie Children's Hospital of Chicago
Classification: Uncertain significance for Lymphangiomyomatosis; Isolated focal cortical dysplasia type II; Tuberous sclerosis 2. Review status: criteria provided, single submitter. Criteria: ACMG Guidelines, 2015. Collection method: clinical testing. Allele origin: germline.
Comment: TSC2 NM_000548.4 exon 41 p.Arg1745Cys (c.5233C>T): This variant has not been reported in the literature and is present in 0.01% (2/18860) of East Asian alleles in the Genome Aggregation Database. This variant is present in ClinVar (Variation ID:405943). Evolutionary conservation and computational predictive tools suggest that this variant may impact the protein. In summary, data on this variant is insufficient for disease classification. Therefore, the clinical significance of this variant is uncertain.

NM_000548.5(TSC2):c.5233C>T (p.Arg1745Cys)

Gene: TSC2 (TSC complex subunit 2; plus strand). Cytogenetic location: 16p13.3.
Variant type: single nucleotide variant.
Coding change: c.5233C>T on transcript NM_000548.5 (MANE Select); coding-DNA position 5233, C replaced by T.
Protein change: p.Arg1745Cys; replaces arginine 1745 with cysteine.
Molecular consequence: missense variant.
Genome position (GRCh38, 1-based): chr16:2,088,299, C>T. VCF-style: chr16-2088299-C-T. GRCh37 (hg19) VCF-style: chr16-2138300-C-T.
Other names: c.5032C>T, p.Arg1678Cys (NM_001077183.3); c.5164C>T, p.Arg1722Cys (NM_001114382.3); c.4924C>T, p.Arg1642Cys (NM_001318827.2); c.4888C>T, p.Arg1630Cys (NM_001318829.2); c.4501C>T, p.Arg1501Cys (NM_001318831.2); c.5065C>T, p.Arg1689Cys (NM_001318832.2); c.5035C>T, p.Arg1679Cys (NM_001363528.2); c.5101C>T, p.Arg1701Cys (NM_001370404.1); and 2 more; short protein forms R1745C, R1501C, R1630C, R1678C, R1689C, R1701C, R1702C, R1722C.
Identifiers: ClinVar variation 405943 (VCV000405943.26), dbSNP rs760413281, ClinGen allele CA054522.